The following is an entry in ClinVar:

ClinVar aggregate classification (germline): Likely pathogenic. Review status: reviewed by expert panel (3 of 4 stars). 2 submissions from 2 submitters: Likely pathogenic (1). 1 of the submissions does not count toward it. Last evaluated 2024-12-06.

Conditions:
Hereditary factor IX deficiency disease (HEMB). Also called: Hemophilia B; F9 DEFICIENCY; FACTOR IX DEFICIENCY; PLASMA THROMBOPLASTIN COMPONENT DEFICIENCY; Christmas Disease. Identifiers: Orphanet 98879, MedGen C0008533, MeSH D002836, MONDO:0010604, OMIM 306900.
Hereditary factor VIII deficiency disease (HEMA). Also called: Hemophilia A, congenital; HEM A; Factor 8 deficiency, congenital; HEMOPHILIA, CLASSIC; Hemophilia A; AUTOSOMAL HEMOPHILIA A. Identifiers: Orphanet 98878, MedGen C0019069, MONDO:0010602, OMIM 306700.

Submissions (2):

ClinGen Coagulation Factor Deficiency Variant Curation Expert Panel, Clingen
Classification: Likely pathogenic for Hereditary factor IX deficiency disease. Last evaluated: 2024-12-06. Review status: reviewed by expert panel. Criteria: ClinGen CoagFactor ACMG Specifications F9 V1.0.0. Collection method: curation. Allele origin: germline. Inheritance: X-linked inheritance.
Comment: The F9 c.802T>A (p.Cys268Ser) variant is completely absent from gnomAD v2.1.1 and v3.1.1. This missense variant has a REVEL score of 0.969 and meets PP3 criteria (threshold >0.6). Three probands are reported in the literature with moderate and severe hemophilia B meeting F9 criteria (PMID: 31064749, PMID: 8091381, PMID: 21263151). The c.802T>A (p.Cys268Ser) variant is a missense change at the same residue (p.Cys268) where at least 3 different missense changes have been previously established as pathogenic/likely pathogenic variants (p.Cys268Gly, p.Cys268Arg, p.Cys268Tyr) using CFD-VCEP rules for F9 and splicing predictors (SpliceAI) show no splicing impact. In summary, this variant meets criteria to be classified as likely pathogenic. ACMG/AMP criteria applied, as specified by the Coagulation Factor Deficiency Variant Curation Expert Panel for F8/F9: PS4_Moderate, PP4_Moderate, PM5, PM2_Supporting, PP3.

NIHR Bioresource Rare Diseases, University of Cambridge
Classification: Likely pathogenic for Hereditary factor VIII deficiency disease. Last evaluated: 2019-02-01. Review status: criteria provided, single submitter. Criteria: ACMG Guidelines, 2015. Collection method: research. Allele origin: unknown. Affected: yes. Observed: 1 hemizygote. Study: ThromboGenomics. Not counted in ClinVar's aggregate classification.

Literature cited by the submitters: PubMed 31064749 (cited by NIHR Bioresource Rare Diseases, University of Cambridge).

NM_000133.4(F9):c.802T>A (p.Cys268Ser)

Gene: F9 (coagulation factor IX; plus strand). Cytogenetic location: Xq27.1.
Variant type: single nucleotide variant.
Coding change: c.802T>A on transcript NM_000133.4 (MANE Select); coding-DNA position 802, T replaced by A.
Protein change: p.Cys268Ser; replaces cysteine 268 with serine.
Molecular consequence: missense variant.
Genome position (GRCh38, 1-based): chrX:139,560,819, T>A. VCF-style: chrX-139560819-T-A. GRCh37 (hg19) VCF-style: chrX-138642978-T-A.
Other names: NM_000133.4(F9):c.802T>A; p.Cys268Ser; c.688T>A, p.Cys230Ser (NM_001313913.2); short protein forms C268S, C230S.
Identifiers: ClinVar variation 627143 (VCV000627143.2), dbSNP rs1603267194, ClinGen allele CA414443531.